The following is an entry in ClinVar:

ClinVar aggregate classification (germline): Uncertain significance. Review status: criteria provided, multiple submitters, no conflicts (2 of 4 stars). 3 submissions from 3 submitters: Uncertain significance (3). Last evaluated 2025-09-27.

Conditions:
Inborn genetic diseases. Identifiers: MedGen C0950123, MeSH D030342.
Fanconi anemia (FA). Also called: Fanconi's anemia. Identifiers: Orphanet 84, MedGen C0015625, MeSH D005199, MONDO:0019391.

Allele frequency attached by ClinVar (database versions not stated): gnomAD exomes below 0.00001 and 0.00001; gnomAD 0.00001; 1000 Genomes Project 30x 0.00016.
gnomAD v4.1: 5 of 1,613,600 alleles (0.00031%); highest among the groups gnomAD compares: Non-Finnish European, 0.00042%; no homozygotes.

Submissions (3):

Ambry Genetics
Classification: Uncertain significance for Inborn genetic diseases. Last evaluated: 2025-09-27. Review status: criteria provided, single submitter. Criteria: Ambry Variant Classification Scheme 2023. Collection method: clinical testing. Allele origin: germline.
Comment: The p.L189V variant (also known as c.565C>G), located in coding exon 2 of the FANCM gene, results from a C to G substitution at nucleotide position 565. The leucine at codon 189 is replaced by valine, an amino acid with highly similar properties. This amino acid position is conserved. In addition, this alteration is predicted to be tolerated by in silico analysis. Based on the available evidence, the clinical significance of this variant remains unclear.

GeneDx
Classification: Uncertain significance. Last evaluated: 2024-11-22. Review status: criteria provided, single submitter. Criteria: GeneDx Variant Classification Process June 2021. Collection method: clinical testing. Allele origin: germline. Affected: yes.
Comment: Not observed at significant frequency in large population cohorts (gnomAD); In silico analysis supports that this missense variant has a deleterious effect on protein structure/function; Has not been previously published as pathogenic or benign to our knowledge

Labcorp Genetics (formerly Invitae), Labcorp
Classification: Uncertain significance for Fanconi anemia. Last evaluated: 2022-07-19. Review status: criteria provided, single submitter. Criteria: Invitae Variant Classification Sherloc (09022015). Collection method: clinical testing. Allele origin: germline.
Comment: This sequence change replaces leucine, which is neutral and non-polar, with valine, which is neutral and non-polar, at codon 189 of the FANCM protein (p.Leu189Val). This variant is present in population databases (rs149010517, gnomAD 0.002%). This variant has not been reported in the literature in individuals affected with FANCM-related conditions. ClinVar contains an entry for this variant (Variation ID: 847115). Algorithms developed to predict the effect of missense changes on protein structure and function are either unavailable or do not agree on the potential impact of this missense change (SIFT: "Tolerated"; PolyPhen-2: "Possibly Damaging"; Align-GVGD: "Class C0"). In summary, the available evidence is currently insufficient to determine the role of this variant in disease. Therefore, it has been classified as a Variant of Uncertain Significance.

NM_020937.4(FANCM):c.565C>G (p.Leu189Val)

Gene: FANCM (FA complementation group M; plus strand). Cytogenetic location: 14q21.2.
Variant type: single nucleotide variant.
Coding change: c.565C>G on transcript NM_020937.4 (MANE Select); coding-DNA position 565, C replaced by G.
Protein change: p.Leu189Val; replaces leucine 189 with valine.
Molecular consequence: missense variant.
Genome position (GRCh38, 1-based): chr14:45,137,125, C>G. VCF-style: chr14-45137125-C-G. GRCh37 (hg19) VCF-style: chr14-45606328-C-G.
Other names: c.565C>G, p.Leu189Val (NM_001308133.2, NM_001308134.2); short protein forms L189V.
Identifiers: ClinVar variation 847115 (VCV000847115.11), dbSNP rs149010517, ClinGen allele CA259603170.